The following is an entry in ClinVar:

NM_025132.4(WDR19):c.1442A>G (p.His481Arg)

Gene: WDR19 (WD repeat domain 19; plus strand). Cytogenetic location: 4p14.
Variant type: single nucleotide variant.
Coding change: c.1442A>G on transcript NM_025132.4 (MANE Select); coding-DNA position 1442, A replaced by G.
Protein change: p.His481Arg; replaces histidine 481 with arginine.
Molecular consequence: missense variant.
Genome position (GRCh38, 1-based): chr4:39,218,068, A>G. VCF-style: chr4-39218068-A-G. GRCh37 (hg19) VCF-style: chr4-39219688-A-G.
Other names: c.[1442A>G] (NM_025132.4); c.962A>G, p.His321Arg (NM_001317924.2); short protein forms H321R, H481R.
Identifiers: ClinVar variation 974369 (VCV000974369.4), dbSNP rs1729264976, ClinGen allele CA356631253.

ClinVar aggregate classification (germline): Likely pathogenic. Review status: criteria provided, single submitter (1 of 4 stars). 3 submissions from 3 submitters: Likely pathogenic (1). 2 of the submissions do not count toward it. Last evaluated 2020-02-01.

Conditions:
Saldino-Mainzer syndrome (SRTD9). Also called: CONORENAL SYNDROME; SHORT-RIB THORACIC DYSPLASIA 9 WITHOUT POLYDACTYLY; short-rib thoracic dysplasia 9 with or without polydactyly; Renal dysplasia, retinal pigmentary dystrophy, cerebellar ataxia and skeletal dysplasia. Identifiers: Orphanet 140969, MedGen C1849437, MONDO:0009964, OMIM 266920.
Asphyxiating thoracic dystrophy 5 (SRTD5). Also called: SHORT-RIB THORACIC DYSPLASIA 5 WITHOUT POLYDACTYLY; SHORT-RIB THORACIC DYSPLASIA 5 WITH OR WITHOUT POLYDACTYLY. Identifiers: Orphanet 474, MedGen C3280598, MONDO:0013717, OMIM 614376.
Nephronophthisis 13 (NPHP13). Identifiers: Orphanet 655, MedGen C3280612, MONDO:0013718, OMIM 614377.

Allele frequency attached by ClinVar (database versions not stated): gnomAD exomes below 0.00001.
gnomAD v4.1: 1 of 1,613,942 alleles (0.000062%); highest among the groups gnomAD compares: Non-Finnish European, 0.000085%; no homozygotes.

Submissions (3):

Molecular Biology Laboratory, Fundació Puigvert
Classification: Likely pathogenic for Nephronophthisis 13. Last evaluated: 2020-02-01. Review status: criteria provided, single submitter. Criteria: ACMG Guidelines, 2015. Collection method: research. Allele origin: maternal. Affected: yes. Study: KidneyPanel_2020.

OMIM
Classification: Pathogenic for SHORT-RIB THORACIC DYSPLASIA 5 WITHOUT POLYDACTYLY. Last evaluated: 2022-05-02. Review status: no assertion criteria provided. Collection method: literature only. Allele origin: germline. Not counted in ClinVar's aggregate classification.

Fundación para la Investigación Sanitaria y Biomédica de la Comunidad Valenciana, FISABIO Oftalmología Médica
Classification: Pathogenic for Saldino-Mainzer syndrome. Last evaluated: 2018-02-19. Review status: no assertion criteria provided. Collection method: clinical testing. Allele origin: paternal. Inheritance: Autosomal recessive inheritance. Affected: yes. Observed: 1 compound heterozygote. Not counted in ClinVar's aggregate classification.
Comment: The variante c.1442A>G p.(His481Arg) located in exon 14 of WDR19 gene is a missense variant which predicas the change from sthe aminoacid Histidine (His481) to Arginine in the position 481 of WDR19 protein. His481 aminoacid is preserve in the WDR19 ortholog proteins from other species as M Mulata, M. Musculus, D. Rerio but not in others as Drosophila or C. Elegans. This sequence variant has not been previously described in literature and is not present in the largest genome mutation database, The Human Mutation Database. This variant is not found in oblational databases as Exome Aggregation Consortium (ExAC) or Genome Aggregation Database (gnomAD). Some algorithms for sequence variants pathogenicity prediction estimate that it is a pathogenic variant (Polyphen, SIFT, Mutation Taster, Mutation Assessor, FATHMM)

Literature cited by the submitters: PubMed 33532864 (cited by Molecular Biology Laboratory, Fundació Puigvert); PubMed 33002628 (cited by OMIM).